The following is an entry in ClinVar:

ClinVar aggregate classification (germline): Likely pathogenic. Review status: criteria provided, multiple submitters, no conflicts (2 of 4 stars). 2 submissions from 2 submitters: Likely pathogenic (2). Last evaluated 2024-11-14.

Conditions:
Congenital myasthenic syndrome 5. Identifiers: Orphanet 590, MedGen C1864233, MONDO:0011281, OMIM 603034.

Allele frequency attached by ClinVar (database versions not stated): gnomAD exomes below 0.00001 and 0.00001; gnomAD 0.00001 and 0.00002; TOPMed 0.00001.
gnomAD v4.1: 23 of 1,614,032 alleles (0.0014%); highest among the groups gnomAD compares: Admixed American, 0.0017%; no homozygotes.

Submissions (2):

Revvity Omics, Revvity
Classification: Likely pathogenic for Congenital myasthenic syndrome 5. Last evaluated: 2024-11-14. Review status: criteria provided, single submitter. Criteria: ACMG Guidelines, 2015. Collection method: clinical testing. Allele origin: germline.

Labcorp Genetics (formerly Invitae), Labcorp
Classification: Likely pathogenic for Congenital myasthenic syndrome 5. Last evaluated: 2022-06-20. Review status: criteria provided, single submitter. Criteria: Invitae Variant Classification Sherloc (09022015). Collection method: clinical testing. Allele origin: germline.
Comment: In summary, the currently available evidence indicates that the variant is pathogenic, but additional data are needed to prove that conclusively. Therefore, this variant has been classified as Likely Pathogenic. Algorithms developed to predict the effect of sequence changes on RNA splicing suggest that this variant may disrupt the consensus splice site. ClinVar contains an entry for this variant (Variation ID: 1322154). This variant has not been reported in the literature in individuals affected with COLQ-related conditions. This variant is present in population databases (rs769276577, gnomAD 0.0009%). This sequence change affects a donor splice site in intron 8 of the COLQ gene. It is expected to disrupt RNA splicing. Variants that disrupt the donor or acceptor splice site typically lead to a loss of protein function (PMID: 16199547), and loss-of-function variants in COLQ are known to be pathogenic (PMID: 22678886).

Literature cited by the submitters: PubMed 16199547 (cited by Labcorp Genetics (formerly Invitae), Labcorp); PubMed 22678886 (cited by Labcorp Genetics (formerly Invitae), Labcorp).

NM_005677.4(COLQ):c.555+1G>A

Gene: COLQ (collagen like tail subunit of asymmetric acetylcholinesterase; minus strand). Cytogenetic location: 3p25.1.
Variant type: single nucleotide variant.
Coding change: c.555+1G>A on transcript NM_005677.4 (MANE Select); the canonical splice donor site of the intron after coding-DNA position 555, G replaced by A.
Molecular consequence: splice donor variant.
Genome position (GRCh38, 1-based): chr3:15,474,924, C>T on the plus strand (G>A on the coding strand, the complement: COLQ is on the minus strand). VCF-style: chr3-15474924-C-T. GRCh37 (hg19) VCF-style: chr3-15516431-C-T.
Other names: c.453+1G>A (NM_080539.4); c.525+1G>A (NM_080538.2).
Identifiers: ClinVar variation 1322154 (VCV001322154.8), dbSNP rs769276577, ClinGen allele CA70616582.
Genomic context (GRCh38, chr3:15,474,924, plus strand): 5'-CTGATTCCAGAGCCAGTAGCCCAGACCAGGCTCTAGGACACCATCCAAGAAAAGCACTAA[C>T]CTTTTCCCCTCTGGATCCAGGGTAGCCCTAAAAGAAAGCAGAAGGTACATTTACAATCAG-3'